The following is an entry in ClinVar:

ClinVar aggregate classification (germline): Pathogenic (1 of 4 stars; one submission).

Conditions:
Chondrodysplasia punctata, brachytelephalangic, autosomal. Also called: BRACHYTELEPHALANGIC CHONDRODYSPLASIA PUNCTATA. Identifiers: MedGen C1844853, MONDO:0011238, OMIM 602497.

Submission:

Labcorp Genetics (formerly Invitae), Labcorp
Classification: Pathogenic for Chondrodysplasia punctata, brachytelephalangic, autosomal. Last evaluated: 2021-11-11. Review status: criteria provided, single submitter. Criteria: Invitae Variant Classification Sherloc (09022015). Collection method: clinical testing. Allele origin: germline.
Comment: This sequence change creates a premature translational stop signal (p.Leu25Trpfs*19) in the ARSE gene. It is expected to result in an absent or disrupted protein product. Loss-of-function variants in ARSE are known to be pathogenic (PMID: 9497243, 23470839). For these reasons, this variant has been classified as Pathogenic. This variant has not been reported in the literature in individuals affected with ARSE-related conditions. This variant is not present in population databases (gnomAD no frequency).

Literature cited by the submitters: PubMed 9497243; PubMed 23470839.

NM_000047.3(ARSL):c.74del (p.Leu25fs)

Gene: ARSL (arylsulfatase L; minus strand). Cytogenetic location: Xp22.33.
Variant type: Deletion.
Coding change: c.74del on transcript NM_000047.3 (MANE Select); coding-DNA position 74, one base deleted (T; older notation c.74delT).
Protein change: p.Leu25fs; shifts the reading frame from leucine 25.
Molecular consequence: frameshift variant. On other transcripts: intron variant (1).
Genome position (GRCh38, 1-based): chrX:2,958,385, A deleted on the plus strand (T on the coding strand, the reverse complement: ARSL is on the minus strand); the first of 3 consecutive A bases (chrX:2,958,385-2,958,387); deleting any one gives the same sequence. VCF-style (leftmost placement, unchanged base first): chrX-2958384-CA-C. GRCh37 (hg19) VCF-style: chrX-2876425-CA-C.
Other names: c.149del, p.Leu50fs (NM_001282628.2, NM_001369080.1); c.101del, p.Leu34fs (NM_001369079.1); c.23+1993del (NM_001282631.2); short protein forms L25fs, L34fs, L50fs.
Identifiers: ClinVar variation 1683207 (VCV001683207.6), dbSNP rs2147401694, ClinGen allele CA2573158367.